The following is an entry in ClinVar:

NM_001793.6(CDH3):c.1223T>C (p.Val408Ala)

Gene: CDH3 (cadherin 3; plus strand). Cytogenetic location: 16q22.1.
Variant type: single nucleotide variant.
Coding change: c.1223T>C on transcript NM_001793.6 (MANE Select); coding-DNA position 1223, T replaced by C.
Protein change: p.Val408Ala; replaces valine 408 with alanine.
Molecular consequence: missense variant.
Genome position (GRCh38, 1-based): chr16:68,684,623, T>C. VCF-style: chr16-68684623-T-C. GRCh37 (hg19) VCF-style: chr16-68718526-T-C.
Other names: c.1223T>C, p.Val408Ala (NM_001317195.3); c.1058T>C, p.Val353Ala (NM_001317196.2); short protein forms V408A, V353A.
Identifiers: ClinVar variation 1384092 (VCV001384092.6), dbSNP rs774640871, ClinGen allele CA8129301.
Genomic context (GRCh38, chr16:68,684,623, plus strand): 5'-TTCTTCCTCTTCTCTCCTAGGGTTTGGATTTTGAGGCCAAAAACCAGCACACCCTGTACG[T>C]TGAAGTGACCAACGAGGCCCCTTTTGTGCTGAAGCTCCCAACCTCCACAGCCACCATAGT-3'
Protein context (NP_001784.2, residues 398-418): FEAKNQHTLY[Val408Ala]EVTNEAPFVL

ClinVar aggregate classification (germline): Uncertain significance (1 of 4 stars; one submission).

Allele frequency attached by ClinVar (database versions not stated): ExAC 0.00001; gnomAD exomes 0.00002.

Submission:

Labcorp Genetics (formerly Invitae), Labcorp
Classification: Uncertain significance. Last evaluated: 2025-09-02. Review status: criteria provided, single submitter. Criteria: Invitae Variant Classification Sherloc (09022015). Collection method: clinical testing. Allele origin: germline.
Comment: This sequence change replaces valine with alanine at codon 408 of the CDH3 protein (p.Val408Ala). The valine residue is weakly conserved and there is a small physicochemical difference between valine and alanine. The frequency data for this variant in the population databases is considered unreliable, as metrics indicate poor data quality at this position in the gnomAD database. This variant has not been reported in the literature in individuals affected with CDH3-related conditions. ClinVar contains an entry for this variant (Variation ID: 1384092). Invitae Evidence Modeling of protein sequence and biophysical properties (such as structural, functional, and spatial information, amino acid conservation, physicochemical variation, residue mobility, and thermodynamic stability) indicates that this missense variant is not expected to disrupt CDH3 protein function with a negative predictive value of 80%. In summary, the available evidence is currently insufficient to determine the role of this variant in disease. Therefore, it has been classified as a Variant of Uncertain Significance.